The following is an entry in ClinVar:

ClinVar aggregate classification (germline): Uncertain significance (1 of 4 stars; one submission).

gnomAD v4.1: 4 of 1,609,762 alleles (0.00025%); highest among the groups gnomAD compares: Admixed American, 0.005%; no homozygotes.

Submission:

Labcorp Genetics (formerly Invitae), Labcorp
Classification: Uncertain significance. Last evaluated: 2023-09-01. Review status: criteria provided, single submitter. Criteria: Invitae Variant Classification Sherloc (09022015). Collection method: clinical testing. Allele origin: germline.
Comment: Variants that disrupt the consensus splice site are a relatively common cause of aberrant splicing (PMID: 17576681, 9536098). Algorithms developed to predict the effect of sequence changes on RNA splicing suggest that this variant may disrupt the consensus splice site. In summary, the available evidence is currently insufficient to determine the role of this variant in disease. Therefore, it has been classified as a Variant of Uncertain Significance. This variant has not been reported in the literature in individuals affected with EGF-related conditions. This variant is present in population databases (no rsID available, gnomAD 0.009%). This sequence change falls in intron 12 of the EGF gene. It does not directly change the encoded amino acid sequence of the EGF protein. It affects a nucleotide within the consensus splice site.

Literature cited by the submitters: PubMed 17576681; PubMed 9536098.

NM_001963.6(EGF):c.1829+5G>T

Gene: EGF (epidermal growth factor; plus strand). Cytogenetic location: 4q25.
Variant type: single nucleotide variant.
Coding change: c.1829+5G>T on transcript NM_001963.6 (MANE Select); 5 bases into the intron after coding-DNA position 1829, G replaced by T.
Molecular consequence: intron variant.
Genome position (GRCh38, 1-based): chr4:109,974,812, G>T. VCF-style: chr4-109974812-G-T. GRCh37 (hg19) VCF-style: chr4-110895968-G-T.
Other names: c.1829+5G>T (NM_001178130.3); c.1703+5G>T (NM_001178131.3, NM_001357021.2).
Identifiers: ClinVar variation 2978674 (VCV002978674.3), dbSNP rs1171436042, ClinGen allele CA553667987.